The following is an entry in ClinVar:

NM_138927.4(SON):c.5929C>T (p.Arg1977Cys)

Gene: SON (SON DNA and RNA binding protein; plus strand). Cytogenetic location: 21q22.11.
Variant type: single nucleotide variant.
Coding change: c.5929C>T on transcript NM_138927.4 (MANE Select); coding-DNA position 5929, C replaced by T.
Protein change: p.Arg1977Cys; replaces arginine 1977 with cysteine.
Molecular consequence: missense variant. On other transcripts: non-coding transcript variant (1), intron variant (1).
Genome position (GRCh38, 1-based): chr21:33,555,160, C>T. VCF-style: chr21-33555160-C-T. GRCh37 (hg19) VCF-style: chr21-34927466-C-T.
Other names: c.5929C>T, p.Arg1977Cys (NM_001291411.2, NM_032195.3); c.245-1996C>T (NM_001291412.3); short protein forms R1977C.
Identifiers: ClinVar variation 1304258 (VCV001304258.5), dbSNP rs1250702016, ClinGen allele CA410165827.

ClinVar aggregate classification (germline): Conflicting classifications of pathogenicity. Review status: criteria provided, conflicting classifications (1 of 4 stars). 2 submissions from 2 submitters: Uncertain significance (1); Likely benign (1). Last evaluated 2024-06-26.

Allele frequency attached by ClinVar (database versions not stated): gnomAD exomes 0.00002.
gnomAD v4.1: 16 of 1,521,274 alleles (0.0011%); highest among the groups gnomAD compares: Middle Eastern, 0.045%; no homozygotes.

Submissions (2):

Labcorp Genetics (formerly Invitae), Labcorp
Classification: Likely benign. Last evaluated: 2024-06-26. Review status: criteria provided, single submitter. Criteria: Invitae Variant Classification Sherloc (09022015). Collection method: clinical testing. Allele origin: germline.

GeneDx
Classification: Uncertain significance. Last evaluated: 2020-06-04. Review status: criteria provided, single submitter. Criteria: GeneDx Variant Classification Process June 2021. Collection method: clinical testing. Allele origin: germline. Affected: yes.
Comment: Not observed in large population cohorts (Lek et al., 2016); In silico analysis supports that this missense variant has a deleterious effect on protein structure/function; Has not been previously published as pathogenic or benign to our knowledge